The following is an entry in ClinVar:

NM_198488.5(FAM83H):c.3319C>T (p.Arg1107Cys)

Gene: FAM83H (family with sequence similarity 83 member H; minus strand). Cytogenetic location: 8q24.3.
Variant type: single nucleotide variant.
Coding change: c.3319C>T on transcript NM_198488.5 (MANE Select); coding-DNA position 3319, C replaced by T.
Protein change: p.Arg1107Cys; replaces arginine 1107 with cysteine.
Molecular consequence: missense variant.
Genome position (GRCh38, 1-based): chr8:143,726,142, G>A on the plus strand (C>T on the coding strand, the complement: FAM83H is on the minus strand). VCF-style: chr8-143726142-G-A. GRCh37 (hg19) VCF-style: chr8-144808312-G-A.
Other names: short protein forms R1107C.
Identifiers: ClinVar variation 1400641 (VCV001400641.6), dbSNP rs202021527, ClinGen allele CA4916998.

ClinVar aggregate classification (germline): Uncertain significance (1 of 4 stars; one submission).

Allele frequency attached by ClinVar (database versions not stated): gnomAD exomes below 0.00001 and 0.00001; ExAC 0.00001; gnomAD 0.00001; 1000 Genomes Project 30x 0.00016; 1000 Genomes Project 0.00020.
gnomAD v4.1: 19 of 1,611,530 alleles (0.0012%); highest among the groups gnomAD compares: Non-Finnish European, 0.0015%; no homozygotes.

Submission:

Labcorp Genetics (formerly Invitae), Labcorp
Classification: Uncertain significance. Last evaluated: 2021-12-15. Review status: criteria provided, single submitter. Criteria: Invitae Variant Classification Sherloc (09022015). Collection method: clinical testing. Allele origin: germline.
Comment: This sequence change replaces arginine, which is basic and polar, with cysteine, which is neutral and slightly polar, at codon 1107 of the FAM83H protein (p.Arg1107Cys). This variant is present in population databases (rs202021527, gnomAD 0.007%). This variant has not been reported in the literature in individuals affected with FAM83H-related conditions. Algorithms developed to predict the effect of missense changes on protein structure and function are either unavailable or do not agree on the potential impact of this missense change (SIFT: "Deleterious"; PolyPhen-2: "Probably Damaging"; Align-GVGD: "Class C0"). In summary, the available evidence is currently insufficient to determine the role of this variant in disease. Therefore, it has been classified as a Variant of Uncertain Significance.